The following is an entry in ClinVar:

NM_001035.3(RYR2):c.2885A>T (p.Lys962Ile)

Gene: RYR2 (ryanodine receptor 2; plus strand). Cytogenetic location: 1q43.
Variant type: single nucleotide variant.
Coding change: c.2885A>T on transcript NM_001035.3 (MANE Select); coding-DNA position 2885, A replaced by T.
Protein change: p.Lys962Ile; replaces lysine 962 with isoleucine.
Molecular consequence: missense variant.
Genome position (GRCh38, 1-based): chr1:237,530,489, A>T. VCF-style: chr1-237530489-A-T. GRCh37 (hg19) VCF-style: chr1-237693789-A-T.
Other names: short protein forms K962I.
Identifiers: ClinVar variation 4757569 (VCV004757569.1).

ClinVar aggregate classification (germline): Uncertain significance (1 of 4 stars; one submission).

Conditions:
Cardiomyopathy (CMYO). Also called: Cardiomyopathies. Identifiers: Orphanet 167848, MedGen C0878544, MONDO:0004994, HP:0001638. Inheritance: Various modes of inheritance.

Submission:

Color Diagnostics, LLC DBA Color Health
Classification: Uncertain significance for Cardiomyopathy. Last evaluated: 2025-07-08. Review status: criteria provided, single submitter. Criteria: ACMG Guidelines, 2015. Collection method: clinical testing. Allele origin: germline.
Comment: This missense variant replaces lysine with isoleucine at codon 962 of the RYR2 protein. Computational prediction suggests that this variant may have deleterious impact on protein structure and function. To our knowledge, functional studies have not been reported for this variant. This variant has not been reported in individuals affected with RYR2-related disorders in the literature. This variant has not been identified in the general population by the Genome Aggregation Database (gnomAD). The available evidence is insufficient to determine the role of this variant in disease conclusively. Therefore, this variant is classified as a Variant of Uncertain Significance.